The following is an entry in ClinVar:

NM_000540.3(RYR1):c.8518C>T (p.Arg2840Trp)

Genes: RYR1 (ryanodine receptor 1; plus strand), LOC126862902 (BRD4-independent group 4 enhancer GRCh37_chr19:38995830-38997029; plus strand). Cytogenetic location: 19q13.2.
Variant type: single nucleotide variant.
Coding change: c.8518C>T on transcript NM_000540.3 (MANE Select); coding-DNA position 8518, C replaced by T.
Protein change: p.Arg2840Trp; replaces arginine 2840 with tryptophan.
Molecular consequence: missense variant.
Genome position (GRCh38, 1-based): chr19:38,505,923, C>T. VCF-style: chr19-38505923-C-T. GRCh37 (hg19) VCF-style: chr19-38996563-C-T.
Other names: NM_000540.2(RYR1):c.8518C>T; p.Arg2840Trp; c.8518C>T, p.Arg2840Trp (NM_001042723.2); short protein forms R2840W.
Identifiers: ClinVar variation 133226 (VCV000133226.23), dbSNP rs193922830, ClinGen allele CA024925.

ClinVar aggregate classification (germline): Uncertain significance. Review status: reviewed by expert panel (3 of 4 stars). 8 submissions from 8 submitters: Uncertain significance (1). 7 of the submissions do not count toward it. Last evaluated 2025-08-01.

Conditions:
RYR1-related disorder. Also called: RYR1-related condition; RYR1-related disorders. Identifiers: MedGen CN239331.
Central core myopathy (CMYO1A). Also called: CONGENITAL MYOPATHY 1A, AUTOSOMAL DOMINANT, WITH SUSCEPTIBILITY TO MALIGNANT HYPERTHERMIA; Central core disease; Myopathy, central fibrillar. Identifiers: Orphanet 597, MedGen C5830701, MONDO:0007294, OMIM 117000.
Congenital multicore myopathy with external ophthalmoplegia (CMYO1B). Also called: Congenital myopathy 1B, autosomal recessive; Minicore myopathy; MULTICORE MYOPATHY; MULTIMINICORE DISEASE WITH EXTERNAL OPHTHALMOPLEGIA; Minicore myopathy with external ophthalmoplegia. Identifiers: Orphanet 598, Orphanet 98905, MedGen C1850674, MONDO:0009712, OMIM 255320, HP:0003789.
King Denborough syndrome (KDS). Identifiers: MedGen C1840365, MONDO:0020485, OMIM 619542.
Malignant hyperthermia, susceptibility to, 1 (MHS1). Also called: RYR1-Related Malignant Hyperthermia Susceptibility; Malignant hyperthermia suceptibility 1; Anesthesia related hyperthermia; Malignant hyperpyrexia; Fulminating hyperpyrexia; Pharmacogenic myopathy. Identifiers: Orphanet 423, MedGen C2930980, MONDO:0007783, OMIM 145600.
Congenital myopathy with fiber type disproportion. Also called: Congenital fiber-type disproportion myopathy; Congenital fiber-type disproportion. Identifiers: Orphanet 2020, MedGen C0546264, MONDO:0009711. Inheritance: all.
Inborn genetic diseases. Identifiers: MedGen C0950123, MeSH D030342.
Malignant hyperthermia of anesthesia. Also called: Anesthesic-triggered malignant hyperthermia. Identifiers: Orphanet 423, MedGen C0024591, MONDO:0018493, HP:0034733.

Allele frequency attached by ClinVar (database versions not stated): gnomAD 0.00001 and 0.00002; gnomAD exomes 0.00002; TOPMed 0.00003; ExAC 0.00002.
gnomAD v4.1: 45 of 1,612,978 alleles (0.0028%); highest among the groups gnomAD compares: South Asian, 0.023%; no homozygotes.

Submissions (8):

ClinGen Malignant Hyperthermia Susceptibility Variant Curation Expert Panel, ClinGen
Classification: Uncertain significance for Malignant hyperthermia of anesthesia. Last evaluated: 2025-08-01. Review status: reviewed by expert panel. Criteria: ClinGen MHS ACMG Specifications V2. Collection method: curation. Allele origin: germline. Inheritance: Autosomal dominant inheritance.
Comment: This pathogenicity assessment is relevant only for malignant hyperthermia susceptibility (MHS) inherited in an autosomal dominant pattern. Variants in RYR1 can also cause other myopathies inherited in an autosomal dominant pattern or in an autosomal recessive pattern. Some of these disorders may predispose individuals to malignant hyperthermia. RYR1 variants may also contribute to a malignant hyperthermia reaction in combination with other genetic and non-genetic factors and the clinician needs to consider such factors in making management decisions. This sequence variant predicts a substitution of arginine with tryptophan at codon 2840 of the RYR1 protein, p.(Arg2840Trp). The maximum allele frequency for this variant among the six major gnomAD populations is SAS: 0.000131, a frequency consistent with pathogenicity for MHS. This variant has been reported in an individual with a personal or family history of an MH episode without a positive in vitro contracture test (IVCT) or caffeine halothane contracture test (CHCT) result (if the proband was unavailable for testing, a positive diagnostic test result in a mutation-positive relative was counted), PS4 not implemented (PMID:16732084). No functional studies were identified for this variant. This variant does not reside in a hotspot for pathogenic variants that contribute to MHS. A REVEL score of 0.659 supports neither a pathogenic nor a benign status for this variant. This variant has been classified as a Variant of Unknown Significance. No criteria implemented.

Ambry Genetics
Classification: Uncertain significance for Inborn genetic diseases. Last evaluated: 2026-03-11. Review status: criteria provided, single submitter. Criteria: Ambry Variant Classification Scheme 2023. Collection method: clinical testing. Allele origin: germline. Not counted in ClinVar's aggregate classification.
Comment: The c.8518C>T (p.R2840W) alteration is located in exon 54 (coding exon 54) of the RYR1 gene. This alteration results from a C to T substitution at nucleotide position 8518, causing the arginine (R) at amino acid position 2840 to be replaced by a tryptophan (W). Based on data from gnomAD, the T allele has an overall frequency of 0.002% (5/281374) total alleles studied. The highest observed frequency was 0.014% (1/7182) of Other alleles. Based on insufficient or conflicting evidence, the clinical significance of this alteration remains unclear.

Color Diagnostics, LLC DBA Color Health
Classification: Uncertain significance for Malignant hyperthermia, susceptibility to, 1. Last evaluated: 2025-07-07. Review status: criteria provided, single submitter. Criteria: ACMG Guidelines, 2015. Collection method: clinical testing. Allele origin: germline. Not counted in ClinVar's aggregate classification.
Comment: This missense variant replaces arginine with tryptophan at codon 2840 of the RYR1 protein. Computational prediction is inconclusive regarding the impact of this variant on protein structure and function. To our knowledge, functional studies have not been reported for this variant. This variant has been reported in two individuals affected with autosomal dominant malignant hyperthermia (PMID: 16732084, 35178478). This variant has been identified in 5/281374 chromosomes in the general population by the Genome Aggregation Database (gnomAD). Due to insufficient evidence, this variant is classified as a Variant of Uncertain Significance for autosomal dominant malignant hyperthermia.

Labcorp Genetics (formerly Invitae), Labcorp
Classification: Uncertain significance for RYR1-related disorder. Last evaluated: 2024-11-18. Review status: criteria provided, single submitter. Criteria: Invitae Variant Classification Sherloc (09022015). Collection method: clinical testing. Allele origin: germline. Not counted in ClinVar's aggregate classification.
Comment: This sequence change replaces arginine, which is basic and polar, with tryptophan, which is neutral and slightly polar, at codon 2840 of the RYR1 protein (p.Arg2840Trp). This variant is present in population databases (rs193922830, gnomAD 0.01%). This missense change has been observed in individual(s) with malignant hyperthermia (PMID: 16732084, 16917943). ClinVar contains an entry for this variant (Variation ID: 133226). Invitae Evidence Modeling of protein sequence and biophysical properties (such as structural, functional, and spatial information, amino acid conservation, physicochemical variation, residue mobility, and thermodynamic stability) indicates that this missense variant is not expected to disrupt RYR1 protein function with a negative predictive value of 80%. This variant disrupts the p.Arg2840 amino acid residue in RYR1. Other variant(s) that disrupt this residue have been observed in individuals with RYR1-related conditions (PMID: 16732084, 35178478), which suggests that this may be a clinically significant amino acid residue. In summary, the available evidence is currently insufficient to determine the role of this variant in disease. Therefore, it has been classified as a Variant of Uncertain Significance.

All of Us Research Program, National Institutes of Health
Classification: Uncertain significance for Malignant hyperthermia, susceptibility to, 1. Last evaluated: 2024-06-11. Review status: criteria provided, single submitter. Criteria: ACMG Guidelines, 2015. Collection method: clinical testing. Allele origin: germline. Inheritance: Autosomal dominant inheritance. Observed: 3 variant alleles, 3 heterozygotes. Not counted in ClinVar's aggregate classification.
Comment: This study involves interpretation of variants in research participants for the purpose of population health screening. Participant phenotype was not available at the time of variant classification. Additional details can be found in publication PMID: 35346344, PMCID: PMC8962531

Foundation for Research in Genetics and Endocrinology, FRIGE's Institute of Human Genetics
Classification: Likely pathogenic for Central core myopathy. Last evaluated: 2021-10-02. Review status: criteria provided, single submitter. Criteria: ACMG Guidelines, 2015. Collection method: clinical testing. Allele origin: germline. Inheritance: Autosomal recessive inheritance. Affected: yes. Observed: 1 heterozygote. Not counted in ClinVar's aggregate classification.
Comment: A heterozygous missense variation in exon 54 of the RYR1 gene that results in the amino acid substitution of Tryptophan for Arginine at codon 2840 was detected. The observed variant c.8518C>T (p.Arg2840Trp) has not been reported in the 1000 genomes and has minor allele frequency of 0.001% gnomAD database. The in silico prediction of the variant are possibly damaging by PolyPhen-2 (HumDiv) and damaging by MutationTaster2 and SIFT. The reference codon is conserved across species. In summary, the variant meets our criteria to be classified as a likely pathogenic variant.

Fulgent Genetics
Classification: Uncertain significance for Central core myopathy; Malignant hyperthermia, susceptibility to, 1; Congenital myopathy 4A, autosomal dominant; Congenital multicore myopathy with external ophthalmoplegia; King Denborough syndrome. Last evaluated: 2021-08-27. Review status: criteria provided, single submitter. Criteria: ACMG Guidelines, 2015. Collection method: clinical testing. Allele origin: unknown. Not counted in ClinVar's aggregate classification.

RYR1 database
No classification provided. Review status: no classification provided. Collection method: not provided. Allele origin: unknown. Not counted in ClinVar's aggregate classification.

Literature cited by the submitters: PubMed 16732084 (cited by Color Diagnostics, LLC DBA Color Health and Labcorp Genetics (formerly Invitae), Labcorp); PubMed 35178478 (cited by Color Diagnostics, LLC DBA Color Health and Labcorp Genetics (formerly Invitae), Labcorp); PubMed 16917943 (cited by Labcorp Genetics (formerly Invitae), Labcorp).